The following is an entry in ClinVar:

ClinVar aggregate classification (germline): Conflicting classifications of pathogenicity. Review status: criteria provided, conflicting classifications (1 of 4 stars). 7 submissions from 7 submitters: Uncertain significance (4); Likely benign (2). 1 of the submissions does not count toward it. Last evaluated 2025-06-04.

Conditions:
Hereditary cancer-predisposing syndrome. Also called: Hereditary neoplastic syndrome; Tumor predisposition; Neoplastic Syndromes, Hereditary; Hereditary Cancer Syndrome. Identifiers: Orphanet 140162, MedGen C0027672, MeSH D009386, MONDO:0015356.
Hereditary breast ovarian cancer syndrome. Also called: Hereditary breast and ovarian cancer; Hereditary breast and/or ovarian cancer syndrome; Hereditary breast and ovarian cancer syndrome; Hereditary breast and ovarian cancer syndrome (HBOC); Breast and ovarian cancer; BRCA1- and BRCA2-Associated Hereditary Breast and Ovarian Cancer. Identifiers: Orphanet 145, MedGen C0677776, MeSH D061325, MONDO:0003582. Disease mechanism: loss of function.

Allele frequency attached by ClinVar (database versions not stated): gnomAD exomes below 0.00001.
gnomAD v4.1: 1 of 1,612,618 alleles (0.000062%); highest among the groups gnomAD compares: African/African-American, 0.0013%; no homozygotes.

Submissions (7):

ARUP Laboratories, Molecular Genetics and Genomics, ARUP Laboratories
Classification: Likely benign. Last evaluated: 2025-06-04. Review status: criteria provided, single submitter. Criteria: ARUP Molecular Germline Variant Investigation Process 2024. Collection method: clinical testing. Allele origin: germline.

Labcorp Genetics (formerly Invitae), Labcorp
Classification: Uncertain significance for Hereditary breast ovarian cancer syndrome. Last evaluated: 2025-04-07. Review status: criteria provided, single submitter. Criteria: Invitae Variant Classification Sherloc (09022015). Collection method: clinical testing. Allele origin: germline.
Comment: This sequence change replaces glutamic acid, which is acidic and polar, with glycine, which is neutral and non-polar, at codon 2070 of the BRCA2 protein (p.Glu2070Gly). This variant is not present in population databases (gnomAD no frequency). This variant has not been reported in the literature in individuals affected with BRCA2-related conditions. ClinVar contains an entry for this variant (Variation ID: 419352). Invitae Evidence Modeling of protein sequence and biophysical properties (such as structural, functional, and spatial information, amino acid conservation, physicochemical variation, residue mobility, and thermodynamic stability) indicates that this missense variant is not expected to disrupt BRCA2 protein function with a negative predictive value of 95%. In summary, the available evidence is currently insufficient to determine the role of this variant in disease. Therefore, it has been classified as a Variant of Uncertain Significance.

Ambry Genetics
Classification: Uncertain significance for Hereditary cancer-predisposing syndrome. Last evaluated: 2024-08-10. Review status: criteria provided, single submitter. Criteria: Ambry Variant Classification Scheme 2023. Collection method: clinical testing. Allele origin: germline.
Comment: The p.E2070G variant (also known as c.6209A>G), located in coding exon 10 of the BRCA2 gene, results from an A to G substitution at nucleotide position 6209. The glutamic acid at codon 2070 is replaced by glycine, an amino acid with similar properties. This variant was not reported in population based cohorts in the following databases: Database of Single Nucleotide Polymorphisms (dbSNP), NHLBI Exome Sequencing Project (ESP), and 1000 Genomes Project. In the ESP, this variant was not observed in 6501 samples (13002 alleles) with coverage at this position. To date, this alteration has been detected with an allele frequency of approximately 0.0004% (greater than 225000 alleles tested) in our clinical cohort. This amino acid position is not well conserved in available vertebrate species. In addition, the in silico prediction for this alteration is inconclusive. Since supporting evidence is limited at this time, the clinical significance of this alteration remains unclear.

Women's Health and Genetics/Laboratory Corporation of America, LabCorp
Classification: Uncertain significance. Last evaluated: 2024-03-05. Review status: criteria provided, single submitter. Criteria: LabCorp Variant Classification Summary - May 2015. Collection method: clinical testing. Allele origin: germline.

University of Washington Department of Laboratory Medicine, University of Washington
Classification: Likely benign for Hereditary cancer-predisposing syndrome. Last evaluated: 2023-03-23. Review status: criteria provided, single submitter. Criteria: Dines et al. (Genet Med. 2020). Collection method: curation. Allele origin: germline.
Comment: Missense variant in a coldspot region where missense variants are very unlikely to be pathogenic (PMID:31911673).

BRCA2 exon 11 coldspot. Reclassification based on statistical prior probability.

GeneDx
Classification: Uncertain significance. Last evaluated: 2015-07-05. Review status: criteria provided, single submitter. Criteria: GeneDx Variant Classification (06012015). Collection method: clinical testing. Allele origin: germline. Affected: yes.
Comment: This variant is denoted BRCA2 c.6209A>G at the cDNA level, p.Glu2070Gly (E2070G) at the protein level, and results in the change of a Glutamic Acid to a Glycine (GAA>GGA). Using alternate nomenclature, this variant would be defined as BRCA2 6437A>G. This variant has not, to our knowledge, been published in the literature as pathogenic or benign. BRCA2 Glu2070Gly was not observed in approximately 6,500 individuals of European and African American ancestry in the NHLBI Exome Sequencing Project, indicating it is not a common benign variant in these populations. Since Glutamic Acid and Glycine differ in polarity, charge, size or other properties, this is considered a non-conservative amino acid substitution. BRCA2 Glu2070Gly occurs at a position that is not conserved and is not located in a known functional domain (Borg 2010). In silico analyses predict that this variant is probably damaging to protein structure and function. Based on currently available information, it is unclear whether BRCA2 Glu2070Gly is pathogenic or benign. We consider it to be a variant of uncertain significance.

Department of Pathology and Laboratory Medicine, Sinai Health System
Classification: Uncertain significance. Review status: no assertion criteria provided. Collection method: clinical testing. Allele origin: unknown. Affected: yes. Observed: 1 variant allele. Study: The Canadian Open Genetics Repository (COGR). Not counted in ClinVar's aggregate classification.
Comment: The BRCA2 p.Glu2070Gly variant has not been reported in the literature nor previously identified by our laboratory. This is a missese alteration, which changes the residue Glu to Gly in the protein sequence coded by exon 11. Although the SIFT program predicts this variant to be deleterious, this evidence alone is not sufficient for assessing its functional impact. In summary, based on the above information the clinical significance of this variant cannot be determined with certainty at the current time. Classified as ACMG-3

NM_000059.4(BRCA2):c.6209A>G (p.Glu2070Gly)

Gene: BRCA2 (BRCA2 DNA repair associated; plus strand). Cytogenetic location: 13q13.1.
Variant type: single nucleotide variant.
Coding change: c.6209A>G on transcript NM_000059.4 (MANE Select); coding-DNA position 6209, A replaced by G.
Protein change: p.Glu2070Gly; replaces glutamic acid 2070 with glycine.
Molecular consequence: missense variant.
Genome position (GRCh38, 1-based): chr13:32,340,564, A>G. VCF-style: chr13-32340564-A-G. GRCh37 (hg19) VCF-style: chr13-32914701-A-G.
Other names: short protein forms E2070G.
Identifiers: ClinVar variation 419352 (VCV000419352.20), dbSNP rs1064793809, ClinGen allele CA16619737.
Genomic context (GRCh38, chr13:32,340,564, plus strand): 5'-TAAATTCATCTGCTTTCTCTGGATTTAGTACAGCAAGTGGAAAGCAAGTTTCCATTTTAG[A>G]AAGTTCCTTACACAAAGTTAAGGGAGTGTTAGAGGAATTTGATTTAATCAGAACTGAGCA-3'
Protein context (NP_000050.3, residues 2060-2080): TASGKQVSIL[Glu2070Gly]SSLHKVKGVL